The following is an entry in ClinVar:

NM_001447.3(FAT2):c.11898T>C (p.His3966=)

Genes: FAT2 (FAT atypical cadherin 2; minus strand), SLC36A1 (solute carrier family 36 member 1; plus strand). Cytogenetic location: 5q33.1.
Variant type: single nucleotide variant.
Coding change: c.11898T>C on transcript NM_001447.3 (MANE Select); coding-DNA position 11898, T replaced by C.
Protein change: p.His3966=; no amino-acid change (histidine 3966 retained).
Molecular consequence: synonymous variant.
Genome position (GRCh38, 1-based): chr5:151,512,172, A>G on the plus strand (T>C on the coding strand, the complement: FAT2 is on the minus strand). VCF-style: chr5-151512172-A-G. GRCh37 (hg19) VCF-style: chr5-150891733-A-G.
Identifiers: ClinVar variation 1227963 (VCV001227963.11), dbSNP rs2304028, ClinGen allele CA3519919.
Genomic context (GRCh38, chr5:151,512,172, plus strand): 5'-TGAAGAGCCTTCTGGGATAAACCCTGGGTTCAGCCTGGCACCCCAGCCCTCACCTGCCCC[A>G]TGGGTCCATGAGCACTTCCCACCATTGAGGCATGTGTTCTGGCTGCAGTAGTCACTGTGG-3'
Protein context (NP_001438.1, residues 3956-3976): CLNGGKCSWT[His3966=]GAGYVCKCPP

ClinVar aggregate classification (germline): Benign. Review status: criteria provided, multiple submitters, no conflicts (2 of 4 stars). 4 submissions from 4 submitters: Benign (3). 1 of the submissions does not count toward it. Last evaluated 2026-02-03.

Conditions:
Spinocerebellar ataxia 45. Identifiers: Orphanet 589527, MedGen C4540400, MONDO:0033480, OMIM 617769.
FAT2-related disorder. Also called: FAT2-related condition.

Allele frequency attached by ClinVar (database versions not stated): TOPMed 0.73475; gnomAD exomes 0.73919 and 0.77473; ESP Exome Variant Server 0.70783; gnomAD 0.73104 and 0.72373; 1000 Genomes Project 30x 0.79591; 1000 Genomes Project 0.79952; ExAC 0.77165.
gnomAD v4.1: 1,190,585 of 1,611,116 alleles (74%); highest among the groups gnomAD compares: East Asian, 95%; 442,673 homozygotes.

Submissions (4):

Labcorp Genetics (formerly Invitae), Labcorp
Classification: Benign. Last evaluated: 2026-02-03. Review status: criteria provided, single submitter. Criteria: Invitae Variant Classification Sherloc (09022015). Collection method: clinical testing. Allele origin: germline.

Genome-Nilou Lab
Classification: Benign for Spinocerebellar ataxia 45. Last evaluated: 2021-08-10. Review status: criteria provided, single submitter. Criteria: ACMG Guidelines, 2015. Collection method: clinical testing. Allele origin: germline. Affected: no.

GeneDx
Classification: Benign. Last evaluated: 2021-05-04. Review status: criteria provided, single submitter. Criteria: GeneDx Variant Classification Process June 2021. Collection method: clinical testing. Allele origin: germline. Affected: yes.

PreventionGenetics, part of Exact Sciences
Classification: Benign for FAT2-related condition. Last evaluated: 2019-07-08. Review status: no assertion criteria provided. Collection method: clinical testing. Allele origin: germline. Not counted in ClinVar's aggregate classification.
Comment: This variant is classified as benign based on ACMG/AMP sequence variant interpretation guidelines (Richards et al. 2015 PMID: 25741868, with internal and published modifications).